The following is an entry in ClinVar:

ClinVar aggregate classification (germline): Uncertain significance (1 of 4 stars; one submission).

Submission:

GeneDx
Classification: Uncertain significance. Last evaluated: 2014-07-07. Review status: criteria provided, single submitter. Criteria: GeneDx Variant Classification (06012015). Collection method: clinical testing. Allele origin: germline. Affected: yes.
Comment: The L969I variant has not been published as a mutation, nor has it been reported as a benign polymorphism to our knowledge. It was not observed in approximately 6,500 individuals of European and African American ancestry in the NHLBI Exome Sequencing Project, indicating it is not a common benign variant in these populations. This substitution occurs at a position that is conserved across species, and in silico analysis predicts this variant is probably damaging to the protein structure/function. However, the L969I variant is a conservative amino acid substitution, which is not likely to impact secondary protein structure as these residues share similar properties. Therefore, based on the currently available information, it is unclear whether this variant is a pathogenic mutation or a rare benign variant. The variant is found in EPILEPSY panel(s).

NM_001330078.2(NRXN1):c.2785C>A (p.Leu929Ile)

Gene: NRXN1 (neurexin 1; minus strand). Cytogenetic location: 2p16.3.
Variant type: single nucleotide variant.
Coding change: c.2785C>A on transcript NM_001330078.2 (MANE Select); coding-DNA position 2785, C replaced by A.
Protein change: p.Leu929Ile; replaces leucine 929 with isoleucine.
Molecular consequence: missense variant.
Genome position (GRCh38, 1-based): chr2:50,497,427, G>T on the plus strand (C>A on the coding strand, the complement: NRXN1 is on the minus strand). VCF-style: chr2-50497427-G-T. GRCh37 (hg19) VCF-style: chr2-50724565-G-T.
Other names: p.L969I:CTT>ATT; c.2905C>A, p.Leu969Ile (NM_001135659.3); c.2761C>A, p.Leu921Ile (NM_001330077.2, NM_001330082.2); c.2719C>A, p.Leu907Ile (NM_001330083.2, NM_001330084.2); c.2758C>A, p.Leu920Ile (NM_001330085.2); c.2785C>A, p.Leu929Ile (NM_001330086.2, NM_004801.6); c.2674C>A, p.Leu892Ile (NM_001330087.2, NM_001330096.2); c.2704C>A, p.Leu902Ile (NM_001330088.2); and 3 more; short protein forms L969I, L902I, L925I, L928I, L907I, L920I, L912I, L921I.
Identifiers: ClinVar variation 206252 (VCV000206252.2), dbSNP rs794727140, ClinGen allele CA316151.